The following is an entry in ClinVar:

ClinVar aggregate classification (germline): Uncertain significance. Review status: criteria provided, multiple submitters, no conflicts (2 of 4 stars). 3 submissions from 3 submitters: Uncertain significance (3). Last evaluated 2024-08-05.

Conditions:
Hyperlipidemia, familial combined, LPL related (FCHL3). Also called: Hyperapobetalipoproteinemia. Identifiers: MedGen C0020474, MONDO:0007759, OMIM 144250, HP:0008158.
Hyperlipoproteinemia, type I. Also called: Familial hyperlipo-proteinemia type 1; Hyperlipemia essential familial; HYPERLIPOPROTEINEMIA, TYPE IA; LPL DEFICIENCY; Hyperlipoproteinemia type 1; Hyperchylomicro-nemia familial. Identifiers: Orphanet 309015, Orphanet 444490, MedGen C0023817, MONDO:0009387, OMIM 238600. Disease mechanism: loss of function.

Allele frequency attached by ClinVar (database versions not stated): TOPMed 0.00001; gnomAD exomes 0.00004; ExAC 0.00007.

Submissions (3):

Women's Health and Genetics/Laboratory Corporation of America, LabCorp
Classification: Uncertain significance. Last evaluated: 2024-08-05. Review status: criteria provided, single submitter. Criteria: LabCorp Variant Classification Summary - May 2015. Collection method: clinical testing. Allele origin: germline.
Comment: Variant summary: LPL c.373G>A (p.Ala125Thr) results in a non-conservative amino acid change located in the Lipase domain (IPR013818) of the encoded protein sequence. Four of five in-silico tools predict a damaging effect of the variant on protein function. The variant allele was found at a frequency of 4.4e-05 in 251434 control chromosomes (gnomAD). This frequency is not significantly higher than expected for a pathogenic variant in LPL causing Familial Lipoprotein Lipase Deficiency (4.4e-05 vs 0.0034), allowing no conclusion about variant significance. c.373G>A has been reported in the literature in individuals affected hypertriglyceridemia (Rodrigues_2016, Deshotels_2022) and coronary artery disease (Khera_2017) as well as in control individuals. These reports do not provide unequivocal conclusions about association of the variant with Familial Lipoprotein Lipase Deficiency. To our knowledge, no experimental evidence demonstrating an impact on protein function has been reported. The following publications have been ascertained in the context of this evaluation (PMID: 36325899, 28267856, 27055971). ClinVar contains an entry for this variant (Variation ID: 1684861). Based on the evidence outlined above, the variant was classified as uncertain significance.

Mendelics
Classification: Uncertain significance. Last evaluated: 2022-05-04. Review status: criteria provided, single submitter. Criteria: Mendelics Assertion Criteria 2019. Collection method: clinical testing. Allele origin: germline.

Fulgent Genetics
Classification: Uncertain significance for Hyperlipidemia, familial combined, LPL related; Hyperlipoproteinemia, type I. Last evaluated: 2022-04-29. Review status: criteria provided, single submitter. Criteria: ACMG Guidelines, 2015. Collection method: clinical testing. Allele origin: unknown.

Literature cited by the submitters: PubMed 27055971 (cited by Women's Health and Genetics/Laboratory Corporation of America, LabCorp); PubMed 28267856 (cited by Women's Health and Genetics/Laboratory Corporation of America, LabCorp); PubMed 36325899 (cited by Women's Health and Genetics/Laboratory Corporation of America, LabCorp).

NM_000237.3(LPL):c.373G>A (p.Ala125Thr)

Gene: LPL (lipoprotein lipase; plus strand). Cytogenetic location: 8p21.3.
Variant type: single nucleotide variant.
Coding change: c.373G>A on transcript NM_000237.3 (MANE Select); coding-DNA position 373, G replaced by A.
Protein change: p.Ala125Thr; replaces alanine 125 with threonine.
Molecular consequence: missense variant.
Genome position (GRCh38, 1-based): chr8:19,951,892, G>A. VCF-style: chr8-19951892-G-A. GRCh37 (hg19) VCF-style: chr8-19809403-G-A.
Other names: short protein forms A125T.
Identifiers: ClinVar variation 1684861 (VCV001684861.4), dbSNP rs199675233, ClinGen allele CA4655393.